The following is an entry in ClinVar:

NM_005188.4(CBL):c.1874C>T (p.Pro625Leu)

Gene: CBL (Cbl proto-oncogene; plus strand). Cytogenetic location: 11q23.3.
Variant type: single nucleotide variant.
Coding change: c.1874C>T on transcript NM_005188.4 (MANE Select); coding-DNA position 1874, C replaced by T.
Protein change: p.Pro625Leu; replaces proline 625 with leucine.
Molecular consequence: missense variant.
Genome position (GRCh38, 1-based): chr11:119,285,499, C>T. VCF-style: chr11-119285499-C-T. GRCh37 (hg19) VCF-style: chr11-119156209-C-T.
Other names: short protein forms P625L.
Identifiers: ClinVar variation 3827795 (VCV003827795.1).

ClinVar aggregate classification (germline): Uncertain significance (1 of 4 stars; one submission).

Conditions:
Cardiovascular phenotype. Identifiers: MedGen CN230736.

gnomAD v4.1: 2 of 1,614,028 alleles (0.00012%); highest among the groups gnomAD compares: African/African-American, 0.0027%; no homozygotes.

Submission:

Ambry Genetics
Classification: Uncertain significance for Cardiovascular phenotype. Last evaluated: 2024-12-28. Review status: criteria provided, single submitter. Criteria: Ambry Variant Classification Scheme 2023. Collection method: clinical testing. Allele origin: germline.
Comment: The p.P625L variant (also known as c.1874C>T), located in coding exon 11 of the CBL gene, results from a C to T substitution at nucleotide position 1874. The proline at codon 625 is replaced by leucine, an amino acid with similar properties. This amino acid position is conserved. In addition, the in silico prediction for this alteration is inconclusive. Based on the available evidence, the clinical significance of this variant remains unclear.